The following is an entry in ClinVar:

NM_004525.3(LRP2):c.10234G>A (p.Ala3412Thr)

Gene: LRP2 (LDL receptor related protein 2; minus strand). Cytogenetic location: 2q31.1.
Variant type: single nucleotide variant.
Coding change: c.10234G>A on transcript NM_004525.3 (MANE Select); coding-DNA position 10234, G replaced by A.
Protein change: p.Ala3412Thr; replaces alanine 3412 with threonine.
Molecular consequence: missense variant.
Genome position (GRCh38, 1-based): chr2:169,177,962, C>T on the plus strand (G>A on the coding strand, the complement: LRP2 is on the minus strand). VCF-style: chr2-169177962-C-T. GRCh37 (hg19) VCF-style: chr2-170034472-C-T.
Other names: short protein forms A3412T.
Identifiers: ClinVar variation 892646 (VCV000892646.8), dbSNP rs147922851, ClinGen allele CA1953392.

ClinVar aggregate classification (germline): Uncertain significance. Review status: criteria provided, multiple submitters, no conflicts (2 of 4 stars). 4 submissions from 4 submitters: Uncertain significance (4). Last evaluated 2025-01-30.

Conditions:
Inborn genetic diseases. Identifiers: MedGen C0950123, MeSH D030342.
Donnai-Barrow syndrome. Also called: DBS/FOAR SYNDROME; FACIOOCULOACOUSTICORENAL SYNDROME. Identifiers: Orphanet 2143, MedGen C1857277, MONDO:0009104, OMIM 222448.

Allele frequency attached by ClinVar (database versions not stated): ExAC 0.00001; gnomAD 0.00001; gnomAD exomes 0.00001; TOPMed 0.00002; ESP Exome Variant Server 0.00015.
gnomAD v4.1: 9 of 1,614,006 alleles (0.00056%); highest among the groups gnomAD compares: South Asian, 0.0022%; no homozygotes.

Submissions (4):

Ambry Genetics
Classification: Uncertain significance for Inborn genetic diseases. Last evaluated: 2025-01-30. Review status: criteria provided, single submitter. Criteria: Ambry Variant Classification Scheme 2023. Collection method: clinical testing. Allele origin: germline.

Fulgent Genetics
Classification: Uncertain significance for Donnai-Barrow syndrome. Last evaluated: 2022-05-12. Review status: criteria provided, single submitter. Criteria: ACMG Guidelines, 2015. Collection method: clinical testing. Allele origin: unknown.

Labcorp Genetics (formerly Invitae), Labcorp
Classification: Uncertain significance. Last evaluated: 2022-02-28. Review status: criteria provided, single submitter. Criteria: Invitae Variant Classification Sherloc (09022015). Collection method: clinical testing. Allele origin: germline.
Comment: This sequence change replaces alanine, which is neutral and non-polar, with threonine, which is neutral and polar, at codon 3412 of the LRP2 protein (p.Ala3412Thr). This variant is present in population databases (rs147922851, gnomAD 0.004%). This variant has not been reported in the literature in individuals affected with LRP2-related conditions. ClinVar contains an entry for this variant (Variation ID: 892646). Advanced modeling of protein sequence and biophysical properties (such as structural, functional, and spatial information, amino acid conservation, physicochemical variation, residue mobility, and thermodynamic stability) performed at Invitae indicates that this missense variant is expected to disrupt LRP2 protein function. In summary, the available evidence is currently insufficient to determine the role of this variant in disease. Therefore, it has been classified as a Variant of Uncertain Significance.

Illumina Laboratory Services, Illumina
Classification: Uncertain significance for Donnai-Barrow syndrome. Last evaluated: 2018-01-13. Review status: criteria provided, single submitter. Criteria: ICSL Variant Classification Criteria 13 December 2019. Collection method: clinical testing. Allele origin: germline.